The following is an entry in ClinVar:

ClinVar aggregate classification (germline): Likely pathogenic (1 of 4 stars; one submission).

Conditions:
Hereditary spastic paraplegia 50 (SPG50). Also called: Spastic paraplegia 50, autosomal recessive. Identifiers: Orphanet 280763, MedGen C2752008, MONDO:0013048, OMIM 612936.

Submission:

Neuberg Centre For Genomic Medicine, NCGM
Classification: Likely pathogenic for Hereditary spastic paraplegia 50. Last evaluated: 2023-06-22. Review status: criteria provided, single submitter. Criteria: ACMG Guidelines, 2015. Collection method: clinical testing. Allele origin: germline. Inheritance: Autosomal recessive inheritance. Affected: yes.
Comment: The observed frameshift c.105delp.Lys36SerfsTer2 variant in AP4M1 gene has not been reported previously as a pathogenic variant nor a benign variant, to our knowledge. The p.Lys36SerfsTer2 variant is absent in gnomAD Exomes. This variant has not been submitted to the ClinVar database. This variant causes a frameshift starting with codon Lysine 36, changes this amino acid to Serine residue, and creates a premature Stop codon at position 2 of the new reading frame, denoted p.Lys36SerfsTer2. This variant is predicted to cause loss of normal protein function through protein truncation. Loss of function variants have been previously reported to be disease causing. For these reasons, this variant has been classified as Likely Pathogenic.

NM_004722.4(AP4M1):c.105del (p.Lys36fs)

Gene: AP4M1 (adaptor related protein complex 4 subunit mu 1; plus strand). Cytogenetic location: 7q22.1.
Variant type: Deletion.
Coding change: c.105del on transcript NM_004722.4 (MANE Select); coding-DNA position 105, one base deleted (G; older notation c.105delG).
Protein change: p.Lys36fs; shifts the reading frame from lysine 36.
Molecular consequence: frameshift variant.
Genome position (GRCh38, 1-based): chr7:100,101,926, G deleted; the last of 2 consecutive G bases (chr7:100,101,925-100,101,926); deleting either gives the same sequence. VCF-style (leftmost placement, unchanged base first): chr7-100101924-CG-C. GRCh37 (hg19) VCF-style: chr7-99699547-CG-C.
Other names: c.105del, p.Lys36fs (NM_001363671.2); short protein forms K36fs.
Identifiers: ClinVar variation 3391181 (VCV003391181.1).